The following is an entry in ClinVar:

NM_015459.5(ATL3):c.967G>A (p.Glu323Lys)

Genes: ATL3 (atlastin GTPase 3; minus strand), LNCROPM (lncRNA regulator of PLAAT3 mediated phospholipid metabolism; plus strand). Cytogenetic location: 11q13.1.
Variant type: single nucleotide variant.
Coding change: c.967G>A on transcript NM_015459.5 (MANE Select); coding-DNA position 967, G replaced by A.
Protein change: p.Glu323Lys; replaces glutamic acid 323 with lysine.
Molecular consequence: missense variant.
Genome position (GRCh38, 1-based): chr11:63,636,218, C>T on the plus strand (G>A on the coding strand, the complement: ATL3 is on the minus strand). VCF-style: chr11-63636218-C-T. GRCh37 (hg19) VCF-style: chr11-63403690-C-T.
Other names: c.913G>A, p.Glu305Lys (NM_001290048.2); short protein forms E305K, E323K.
Identifiers: ClinVar variation 1767772 (VCV001767772.2), dbSNP rs2495636011, ClinGen allele CA381026479.

ClinVar aggregate classification (germline): Uncertain significance (1 of 4 stars; one submission).

Conditions:
Inborn genetic diseases. Identifiers: MedGen C0950123, MeSH D030342.

Submission:

Ambry Genetics
Classification: Uncertain significance for Inborn genetic diseases. Last evaluated: 2021-10-12. Review status: criteria provided, single submitter. Criteria: Ambry Variant Classification Scheme 2023. Collection method: clinical testing. Allele origin: germline.
Comment: The p.E323K variant (also known as c.967G>A), located in coding exon 9 of the ATL3 gene, results from a G to A substitution at nucleotide position 967. The glutamic acid at codon 323 is replaced by lysine, an amino acid with similar properties. This amino acid position is conserved. In addition, this alteration is predicted to be deleterious by in silico analysis. Since supporting evidence is limited at this time, the clinical significance of this alteration remains unclear.